The following is an entry in ClinVar:

NM_001013579.3(AWAT1):c.197C>T (p.Ser66Leu)

Gene: AWAT1 (acyl-CoA wax alcohol acyltransferase 1; plus strand). Cytogenetic location: Xq13.1.
Variant type: single nucleotide variant.
Coding change: c.197C>T on transcript NM_001013579.3 (MANE Select); coding-DNA position 197, C replaced by T.
Protein change: p.Ser66Leu; replaces serine 66 with leucine.
Molecular consequence: missense variant.
Genome position (GRCh38, 1-based): chrX:70,236,081, C>T. VCF-style: chrX-70236081-C-T. GRCh37 (hg19) VCF-style: chrX-69455931-C-T.
Other names: short protein forms S66L.
Identifiers: ClinVar variation 2660805 (VCV002660805.24), dbSNP rs200977849, ClinGen allele CA10439878.

ClinVar aggregate classification (germline): Likely benign (1 of 4 stars; one submission).

Allele frequency attached by ClinVar (database versions not stated): ESP Exome Variant Server 0.00009.
gnomAD v4.1: 111 of 1,208,348 alleles (0.0092%); highest among the groups gnomAD compares: Non-Finnish European, 0.011%; no homozygotes.

Submission:

CeGaT Center for Human Genetics Tuebingen
Classification: Likely benign. Last evaluated: 2023-02-01. Review status: criteria provided, single submitter. Criteria: CeGaT Center For Human Genetics Tuebingen Variant Classification Criteria Version 2. Collection method: clinical testing. Allele origin: germline. Affected: yes. Observed: 1 variant allele.
Comment: AWAT1: BP4, BS2